The following is an entry in ClinVar:

NM_004519.4(KCNQ3):c.2306C>A (p.Pro769His)

Gene: KCNQ3 (potassium voltage-gated channel subfamily Q member 3; minus strand). Cytogenetic location: 8q24.22.
Variant type: single nucleotide variant.
Coding change: c.2306C>A on transcript NM_004519.4 (MANE Select); coding-DNA position 2306, C replaced by A.
Protein change: p.Pro769His; replaces proline 769 with histidine.
Molecular consequence: missense variant.
Genome position (GRCh38, 1-based): chr8:132,129,575, G>T on the plus strand (C>A on the coding strand, the complement: KCNQ3 is on the minus strand). VCF-style: chr8-132129575-G-T. GRCh37 (hg19) VCF-style: chr8-133141822-G-T.
Other names: p.P769H:CCC>CAC; p.Pro769His; c.1946C>A, p.Pro649His (NM_001204824.2); short protein forms P769H, P649H.
Identifiers: ClinVar variation 138051 (VCV000138051.27), dbSNP rs114095081, ClinGen allele CA291847.

ClinVar aggregate classification (germline): Benign/Likely benign. Review status: criteria provided, multiple submitters, no conflicts (2 of 4 stars). 11 submissions from 11 submitters: Benign (8); Likely benign (3). Last evaluated 2026-02-03.

Conditions:
Benign neonatal seizures. Also called: Benign familial neonatal epilepsy; Benign familial neonatal seizures; Benign neonatal familial convulsions; Convulsions benign familial neonatal dominant form; Autosomal dominant form of benign neonatal seizures. Identifiers: Orphanet 1949, MedGen C0220669, MONDO:0016027.
Inborn genetic diseases. Identifiers: MedGen C0950123, MeSH D030342.
Seizures, benign familial neonatal, 2. Also called: KCNQ3-Related Benign Familial Neonatal Epilepsy; KCNQ3-Related Self-Limited Familial Neonatal Epilepsy (SLFNE); Benign Neonatal Epilepsy 2; Seizures, benign neonatal, 2; CONVULSIONS, BENIGN FAMILIAL NEONATAL, 2. Identifiers: Orphanet 1949, MedGen C1852581, MONDO:0007366, OMIM 121201.

Allele frequency attached by ClinVar (database versions not stated): gnomAD exomes 0.00248; 1000 Genomes Project 30x 0.00671; ExAC 0.00269; 1000 Genomes Project 0.00639; gnomAD 0.00653 and 0.00702; TOPMed 0.00787; ESP Exome Variant Server 0.00953.
gnomAD v4.1: 2,899 of 1,614,174 alleles (0.18%); highest among the groups gnomAD compares: African/African-American, 2.1%; 28 homozygotes.

Submissions (11):

Labcorp Genetics (formerly Invitae), Labcorp
Classification: Benign for Benign neonatal seizures. Last evaluated: 2026-02-03. Review status: criteria provided, single submitter. Criteria: Invitae Variant Classification Sherloc (09022015). Collection method: clinical testing. Allele origin: germline.

ARUP Laboratories, Molecular Genetics and Genomics, ARUP Laboratories
Classification: Benign for Seizures, benign familial neonatal, 2. Last evaluated: 2025-03-06. Review status: criteria provided, single submitter. Criteria: ARUP Molecular Germline Variant Investigation Process 2024. Collection method: clinical testing. Allele origin: germline.

Fulgent Genetics
Classification: Likely benign for Seizures, benign familial neonatal, 2. Last evaluated: 2021-09-13. Review status: criteria provided, single submitter. Criteria: ACMG Guidelines, 2015. Collection method: clinical testing. Allele origin: unknown.

Mayo Clinic Laboratories, Mayo Clinic
Classification: Benign. Last evaluated: 2018-12-05. Review status: criteria provided, single submitter. Criteria: ACMG Guidelines, 2015. Collection method: clinical testing. Allele origin: germline. Observed: 9 variant alleles.

Athena Diagnostics
Classification: Benign. Last evaluated: 2018-08-07. Review status: criteria provided, single submitter. Criteria: Athena Diagnostics Criteria. Collection method: clinical testing. Allele origin: germline.

Illumina Laboratory Services, Illumina
Classification: Benign for Seizures, benign familial neonatal, 2. Last evaluated: 2018-01-12. Review status: criteria provided, single submitter. Criteria: ICSL Variant Classification Criteria 13 December 2019. Collection method: clinical testing. Allele origin: germline.
Comment: This variant was observed in the ICSL laboratory as part of a predisposition screen in an ostensibly healthy population. It had not been previously curated by ICSL or reported in the Human Gene Mutation Database (HGMD: prior to June 1st, 2018), and was therefore a candidate for classification through an automated scoring system. Utilizing variant allele frequency, disease prevalence and penetrance estimates, and inheritance mode, an automated score was calculated to assess if this variant is too frequent to cause the disease. Based on the score and internal cut-off values, a variant classified as benign is not then subjected to further curation. The score for this variant resulted in a classification of benign for this disease.

Ambry Genetics
Classification: Benign for Inborn genetic diseases. Last evaluated: 2016-09-20. Review status: criteria provided, single submitter. Criteria: Ambry Variant Classification Scheme 2023. Collection method: clinical testing. Allele origin: germline.

Clinical Genetics DNA and cytogenetics Diagnostics Lab, Erasmus MC, Erasmus Medical Center
Classification: Benign for Seizures, benign familial neonatal, 2. Last evaluated: 2016-02-15. Review status: criteria provided, single submitter. Criteria: ACGS Guidelines, 2013. Collection method: clinical testing. Allele origin: germline. Affected: yes. Study: VKGL Data-share Consensus.

Genome Diagnostics Laboratory, University Medical Center Utrecht
Classification: Likely benign for Seizures, benign familial neonatal, 2. Last evaluated: 2014-10-09. Review status: criteria provided, single submitter. Criteria: ACGS Guidelines, 2013. Collection method: clinical testing. Allele origin: germline. Affected: yes. Study: VKGL Data-share Consensus.

GeneDx
Classification: Benign. Last evaluated: 2013-10-22. Review status: criteria provided, single submitter. Criteria: GeneDx Variant Classification (06012015). Collection method: clinical testing. Allele origin: germline. Affected: yes.
Comment: This variant is considered likely benign or benign based on one or more of the following criteria: it is a conservative change, it occurs at a poorly conserved position in the protein, it is predicted to be benign by multiple in silico algorithms, and/or has population frequency not consistent with disease.

Breakthrough Genomics
Classification: Likely benign. Review status: criteria provided, single submitter. Criteria: ACMG Guidelines, 2015. Collection method: not provided. Allele origin: germline. Inheritance: Autosomal dominant inheritance. Affected: yes.